The following is an entry in ClinVar:

NM_001129.5(AEBP1):c.1742G>A (p.Cys581Tyr)

Gene: AEBP1 (AE binding protein 1; plus strand). Cytogenetic location: 7p13.
Variant type: single nucleotide variant.
Coding change: c.1742G>A on transcript NM_001129.5 (MANE Select); coding-DNA position 1742, G replaced by A.
Protein change: p.Cys581Tyr; replaces cysteine 581 with tyrosine.
Molecular consequence: missense variant.
Genome position (GRCh38, 1-based): chr7:44,111,532, G>A. VCF-style: chr7-44111532-G-A. GRCh37 (hg19) VCF-style: chr7-44151131-G-A.
Other names: short protein forms C581Y.
Identifiers: ClinVar variation 3600921 (VCV003600921.1).

ClinVar aggregate classification (germline): Uncertain significance (1 of 4 stars; one submission).

gnomAD v4.1: 2 of 1,602,922 alleles (0.00012%); highest among the groups gnomAD compares: Non-Finnish European, 0.000085%; no homozygotes.

Submission:

GeneDx
Classification: Uncertain significance. Last evaluated: 2024-07-24. Review status: criteria provided, single submitter. Criteria: GeneDx Variant Classification Process June 2021. Collection method: clinical testing. Allele origin: germline. Affected: yes.
Comment: Not observed at significant frequency in large population cohorts (gnomAD); In silico analysis supports that this missense variant has a deleterious effect on protein structure/function; Has not been previously published as pathogenic or benign to our knowledge